The following is an entry in ClinVar:

NM_004304.5(ALK):c.2995C>T (p.Pro999Ser)

Gene: ALK (ALK receptor tyrosine kinase; minus strand). Cytogenetic location: 2p23.2.
Variant type: single nucleotide variant.
Coding change: c.2995C>T on transcript NM_004304.5 (MANE Select); coding-DNA position 2995, C replaced by T.
Protein change: p.Pro999Ser; replaces proline 999 with serine.
Molecular consequence: missense variant.
Genome position (GRCh38, 1-based): chr2:29,226,994, G>A on the plus strand (C>T on the coding strand, the complement: ALK is on the minus strand). VCF-style: chr2-29226994-G-A. GRCh37 (hg19) VCF-style: chr2-29449860-G-A.
Other names: short protein forms P999S.
Identifiers: ClinVar variation 4739753 (VCV004739753.1).

ClinVar aggregate classification (germline): Uncertain significance (1 of 4 stars; one submission).

Conditions:
Neuroblastoma, susceptibility to, 3. Also called: ALK-Related Neuroblastic Tumor Susceptibility. Identifiers: Orphanet 635, MedGen C2751681, MONDO:0013083, OMIM 613014.

Submission:

Labcorp Genetics (formerly Invitae), Labcorp
Classification: Uncertain significance for Neuroblastoma, susceptibility to, 3. Last evaluated: 2025-07-30. Review status: criteria provided, single submitter. Criteria: Invitae Variant Classification Sherloc (09022015). Collection method: clinical testing. Allele origin: germline.
Comment: This sequence change replaces proline, which is neutral and non-polar, with serine, which is neutral and polar, at codon 999 of the ALK protein (p.Pro999Ser). This variant is not present in population databases (gnomAD no frequency). This variant has not been reported in the literature in individuals affected with ALK-related conditions. An algorithm developed to predict the effect of missense changes on protein structure and function (PolyPhen-2) suggests that this variant is likely to be tolerated. In summary, the available evidence is currently insufficient to determine the role of this variant in disease. Therefore, it has been classified as a Variant of Uncertain Significance.